The following is an entry in ClinVar:

NM_000053.4(ATP7B):c.-442G>A

Genes: ATP7B (ATPase copper transporting beta; minus strand), LOC130009838 (ATAC-STARR-seq lymphoblastoid silent region 5378; plus strand). Cytogenetic location: 13q14.3.
Variant type: single nucleotide variant.
Coding change: c.-442G>A on transcript NM_000053.4 (MANE Select); 442 bases upstream of the start codon, G replaced by A.
Molecular consequence: genic upstream transcript variant. On other transcripts: 5 prime UTR variant (4), intron variant (9).
Genome position (GRCh38, 1-based): chr13:52,011,779, C>T on the plus strand (G>A on the coding strand, the complement: ATP7B is on the minus strand). VCF-style: chr13-52011779-C-T. GRCh37 (hg19) VCF-style: chr13-52585915-C-T.
Other names: c.-177G>A (NM_001406512.1, NM_001406516.1, NM_001406522.1); c.-361G>A (NM_001406532.1); c.-55+241G>A (NM_001406541.1, NM_001406531.1, NM_001406527.1 and 4 more transcripts); c.-184+241G>A (NM_001406543.1); c.-238-204G>A (NM_001406528.1).
Identifiers: ClinVar variation 4536961 (VCV004536961.1).

ClinVar aggregate classification (germline): Uncertain significance (1 of 4 stars; one submission).

Submission:

Women's Health and Genetics/Laboratory Corporation of America, LabCorp
Classification: Uncertain significance. Last evaluated: 2025-11-07. Review status: criteria provided, single submitter. Criteria: LabCorp Variant Classification Summary - May 2015. Collection method: clinical testing. Allele origin: germline.
Comment: Variant summary: ATP7B c.-442G>A is located in the untranscribed region upstream of the ATP7B gene region. The variant was absent in 31380 control chromosomes. The available data on variant occurrences in the general population are insufficient to allow any conclusion about variant significance. c.-442G>A has been observed at a compound heterozygous state along with a second pathogenic variant in one individual affected with Wilson Disease (Coffey_2013). These data do not allow any conclusion about variant significance. To our knowledge, no experimental evidence demonstrating an impact on protein function has been reported. The following publication has been ascertained in the context of this evaluation (PMID: 23518715). No submitters have cited clinical-significance assessments for this variant to ClinVar. Based on the evidence outlined above, the variant was classified as uncertain significance.

Literature cited by the submitters: PubMed 23518715.